The following is an entry in ClinVar:

NM_000124.4(ERCC6):c.1629del (p.Ile543fs)

Gene: ERCC6 (ERCC excision repair 6, chromatin remodeling factor; minus strand). Cytogenetic location: 10q11.23.
Variant type: Deletion.
Coding change: c.1629del on transcript NM_000124.4 (MANE Select); coding-DNA position 1629, one base deleted (T; older notation c.1629delT).
Protein change: p.Ile543fs; shifts the reading frame from isoleucine 543.
Molecular consequence: frameshift variant.
Genome position (GRCh38, 1-based): chr10:49,500,594, A deleted on the plus strand (T on the coding strand, the reverse complement: ERCC6 is on the minus strand); the first of 2 consecutive A bases (chr10:49,500,594-49,500,595); deleting either gives the same sequence. VCF-style (leftmost placement, unchanged base first): chr10-49500593-CA-C. GRCh37 (hg19) VCF-style: chr10-50708639-CA-C.
Other names: c.1629del, p.Ile543fs (NM_001346440.2); short protein forms I543fs.
Identifiers: ClinVar variation 5007715 (VCV005007715.2).
Genomic context (GRCh38, chr10:49,500,593, plus strand): 5'-CTTGCCTGTAATTTGAACCACGAGTCCTGATCTTGCTGTAGCTCAGACCTGCCAAGAAGG[CA>C]ATTATCTGGATGGTCTTGCCCAATCCCATTTCATCTCCCAGAATTCCTCCTGCCTGCTGG-3'

ClinVar aggregate classification (germline): Likely pathogenic (1 of 4 stars; one submission).

Conditions:
Cerebrooculofacioskeletal syndrome 1 (COFS1). Also called: Cerebro-oculo-facio-skeletal syndrome 1. Identifiers: MedGen C0220722, MONDO:0008955, OMIM 214150.
Cockayne syndrome type 2 (CSB). Also called: COCKAYNE SYNDROME B; Cockayne Syndrome, Type II. Identifiers: Orphanet 191, Orphanet 90322, MedGen C0751038, MONDO:0019570, OMIM 133540.
Premature ovarian failure 11 (POF11). Identifiers: MedGen C4310783, MONDO:0014843, OMIM 616946.
Age related macular degeneration 5. Identifiers: MedGen C3151063, MONDO:0013409, OMIM 613761.
Lung cancer. Also called: Malignant tumor of lung; Lung cancer, somatic. Identifiers: MedGen C0242379, MONDO:0008903, OMIM 211980.
UV-sensitive syndrome 1 (UVSS1). Identifiers: Orphanet 178338, MedGen C3551173, MONDO:0010909, OMIM 600630.
DE SANCTIS-CACCHIONE SYNDROME. Identifiers: MedGen C0265201, MONDO:0010217, OMIM 278800.

Submission:

Juno Genomics, Hangzhou Juno Genomics, Inc
Classification: Likely pathogenic for DE SANCTIS-CACCHIONE SYNDROME; Lung cancer; Age related macular degeneration 5; Cerebrooculofacioskeletal syndrome 1; Cockayne syndrome type 2; Premature ovarian failure 11; UV-sensitive syndrome 1. Review status: criteria provided, single submitter. Criteria: ACMG Guidelines, 2015. Collection method: clinical testing. Allele origin: germline.
Comment: Null variant in a gene where loss of function (LOF) is a known mechanism of disease.;Absent from controls (or at extremely low frequency if recessive) in Genome Aggregation Database.